The following is an entry in ClinVar:

ClinVar aggregate classification (germline): Uncertain significance (1 of 4 stars; one submission).

Conditions:
Ataxia-telangiectasia syndrome (AT). Also called: ATAXIA-TELANGIECTASIA, COMPLEMENTATION GROUP A; ATAXIA-TELANGIECTASIA, FRESNO VARIANT; LOUIS-BAR SYNDROME; Ataxia-telangiectasia; Cerebello-oculocutaneous telangiectasia; Immunodeficiency with ataxia telangiectasia. Identifiers: Orphanet 100, MedGen C0004135, MONDO:0008840, OMIM 208900.

Submission:

Labcorp Genetics (formerly Invitae), Labcorp
Classification: Uncertain significance for Ataxia-telangiectasia syndrome. Last evaluated: 2022-03-08. Review status: criteria provided, single submitter. Criteria: Invitae Variant Classification Sherloc (09022015). Collection method: clinical testing. Allele origin: germline.
Comment: In summary, the available evidence is currently insufficient to determine the role of this variant in disease. Therefore, it has been classified as a Variant of Uncertain Significance. Advanced modeling of protein sequence and biophysical properties (such as structural, functional, and spatial information, amino acid conservation, physicochemical variation, residue mobility, and thermodynamic stability) performed at Invitae indicates that this missense variant is not expected to disrupt ATM protein function. This variant has not been reported in the literature in individuals affected with ATM-related conditions. This variant is not present in population databases (gnomAD no frequency). This sequence change replaces glutamic acid, which is acidic and polar, with lysine, which is basic and polar, at codon 737 of the ATM protein (p.Glu737Lys).

NM_000051.4(ATM):c.2209G>A (p.Glu737Lys)

Gene: ATM (ATM serine/threonine kinase; plus strand). Cytogenetic location: 11q22.3.
Variant type: single nucleotide variant.
Coding change: c.2209G>A on transcript NM_000051.4 (MANE Select); coding-DNA position 2209, G replaced by A.
Protein change: p.Glu737Lys; replaces glutamic acid 737 with lysine.
Molecular consequence: missense variant.
Genome position (GRCh38, 1-based): chr11:108,256,299, G>A. VCF-style: chr11-108256299-G-A. GRCh37 (hg19) VCF-style: chr11-108127026-G-A.
Other names: c.2209G>A, p.Glu737Lys (NM_001351834.2); short protein forms E737K.
Identifiers: ClinVar variation 1474136 (VCV001474136.8), dbSNP rs2135394119, ClinGen allele CA382539035.